The following is an entry in ClinVar:

NM_000276.4(OCRL):c.1713+1G>A

Gene: OCRL (OCRL inositol polyphosphate-5-phosphatase; plus strand). Cytogenetic location: Xq26.1.
Variant type: single nucleotide variant.
Coding change: c.1713+1G>A on transcript NM_000276.4 (MANE Select); the canonical splice donor site of the intron after coding-DNA position 1713, G replaced by A.
Molecular consequence: splice donor variant.
Genome position (GRCh38, 1-based): chrX:129,575,251, G>A. VCF-style: chrX-129575251-G-A. GRCh37 (hg19) VCF-style: chrX-128709228-G-A.
Other names: c.1716+1G>A (NM_001318784.2); c.1713+1G>A (NM_001587.4).
Identifiers: ClinVar variation 1997657 (VCV001997657.4), dbSNP rs2521918360, ClinGen allele CA414617984.

ClinVar aggregate classification (germline): Likely pathogenic (1 of 4 stars; one submission).

Conditions:
Lowe syndrome (OCRL). Also called: LOWE OCULOCEREBRORENAL SYNDROME; PHOSPHATIDYLINOSITOL 4,5-BISPHOSPHATE 5-PHOSPHATASE DEFICIENCY; Oculocerebrorenal Syndrome. Identifiers: Orphanet 534, MedGen C0028860, MONDO:0010645, OMIM 309000.

Submission:

Labcorp Genetics (formerly Invitae), Labcorp
Classification: Likely pathogenic for Lowe syndrome. Last evaluated: 2022-05-21. Review status: criteria provided, single submitter. Criteria: Invitae Variant Classification Sherloc (09022015). Collection method: clinical testing. Allele origin: germline.
Comment: In summary, the currently available evidence indicates that the variant is pathogenic, but additional data are needed to prove that conclusively. Therefore, this variant has been classified as Likely Pathogenic. Algorithms developed to predict the effect of sequence changes on RNA splicing suggest that this variant may disrupt the consensus splice site. This variant has not been reported in the literature in individuals affected with OCRL-related conditions. This variant is not present in population databases (gnomAD no frequency). This sequence change affects a donor splice site in intron 16 of the OCRL gene. It is expected to disrupt RNA splicing. Variants that disrupt the donor or acceptor splice site typically lead to a loss of protein function (PMID: 16199547), and loss-of-function variants in OCRL are known to be pathogenic (PMID: 19390221, 21031565, 22381590).

Literature cited by the submitters: PubMed 16199547; PubMed 19390221; PubMed 21031565; PubMed 22381590.